The following is an entry in ClinVar:

NM_000368.5(TSC1):c.3350T>G (p.Leu1117Arg)

Gene: TSC1 (TSC complex subunit 1; minus strand). Cytogenetic location: 9q34.13.
Variant type: single nucleotide variant.
Coding change: c.3350T>G on transcript NM_000368.5 (MANE Select); coding-DNA position 3350, T replaced by G.
Protein change: p.Leu1117Arg; replaces leucine 1117 with arginine.
Molecular consequence: missense variant. On other transcripts: non-coding transcript variant (5).
Genome position (GRCh38, 1-based): chr9:132,896,380, A>C on the plus strand (T>G on the coding strand, the complement: TSC1 is on the minus strand). VCF-style: chr9-132896380-A-C. GRCh37 (hg19) VCF-style: chr9-135771767-A-C.
Other names: c.3347T>G, p.Leu1116Arg (NM_001162426.2, NM_001406597.1, NM_001406598.1 and 2 more transcripts); c.3197T>G, p.Leu1066Arg (NM_001162427.2, NM_001406610.1); c.2987T>G, p.Leu996Arg (NM_001362177.2, NM_001406614.1, NM_001406615.1 and 4 more transcripts); c.3350T>G, p.Leu1117Arg (NM_001406592.1, NM_001406593.1, NM_001406594.1 and 2 more transcripts); c.3335T>G, p.Leu1112Arg (NM_001406601.1, NM_001406602.1); c.3332T>G, p.Leu1111Arg (NM_001406603.1, NM_001406604.1); c.3308T>G, p.Leu1103Arg (NM_001406605.1, NM_001406606.1, NM_001406607.1); c.3305T>G, p.Leu1102Arg (NM_001406608.1, NM_001406609.1); and 8 more; short protein forms L1116R, L1117R, L800R, L1051R, L1111R, L982R, L995R, L1065R.
Identifiers: ClinVar variation 3712829 (VCV003712829.2).

ClinVar aggregate classification (germline): Uncertain significance (1 of 4 stars; one submission).

Conditions:
Tuberous sclerosis 1 (TSC1). Identifiers: Orphanet 805, MedGen C1854465, MONDO:0008612, OMIM 191100.

gnomAD v4.1: 2 of 1,614,178 alleles (0.00012%); highest among the groups gnomAD compares: Non-Finnish European, 0.00017%; no homozygotes.

Submission:

Labcorp Genetics (formerly Invitae), Labcorp
Classification: Uncertain significance for Tuberous sclerosis 1. Last evaluated: 2024-10-30. Review status: criteria provided, single submitter. Criteria: Invitae Variant Classification Sherloc (09022015). Collection method: clinical testing. Allele origin: germline.
Comment: This sequence change replaces leucine, which is neutral and non-polar, with arginine, which is basic and polar, at codon 1117 of the TSC1 protein (p.Leu1117Arg). This variant is not present in population databases (gnomAD no frequency). This variant has not been reported in the literature in individuals affected with TSC1-related conditions. Invitae Evidence Modeling of protein sequence and biophysical properties (such as structural, functional, and spatial information, amino acid conservation, physicochemical variation, residue mobility, and thermodynamic stability) has been performed for this missense variant. However, the output from this modeling did not meet the statistical confidence thresholds required to predict the impact of this variant on TSC1 protein function. In summary, the available evidence is currently insufficient to determine the role of this variant in disease. Therefore, it has been classified as a Variant of Uncertain Significance.